The following is an entry in ClinVar:

NM_004415.4(DSP):c.1044G>A (p.Glu348=)

Gene: DSP (desmoplakin; plus strand). Cytogenetic location: 6p24.3.
Variant type: single nucleotide variant.
Coding change: c.1044G>A on transcript NM_004415.4 (MANE Select); coding-DNA position 1044, G replaced by A.
Protein change: p.Glu348=; no amino-acid change (glutamic acid 348 retained).
Molecular consequence: synonymous variant.
Genome position (GRCh38, 1-based): chr6:7,566,481, G>A. VCF-style: chr6-7566481-G-A. GRCh37 (hg19) VCF-style: chr6-7566714-G-A.
Other names: c.1044G>A, p.Glu348= (NM_001008844.3, NM_001319034.2).
Identifiers: ClinVar variation 925099 (VCV000925099.6), dbSNP rs1758868593, ClinGen allele CA448519720.
Genomic context (GRCh38, chr6:7,566,481, plus strand): 5'-GCTGAAACAAGAAAGTGACCAACTTGTCCTCAATCAGCATCCAGCTTCAGACAAAATTGA[G>A]GTAGGCTTCATGAGGTTTATATTTTTGTTAGAAAAAAAAAAACTTTTCATAAAGTAAGAC-3'
Protein context (NP_004406.2, residues 338-358): LNQHPASDKI[Glu348=]AYMDTLQTQW

ClinVar aggregate classification (germline): Uncertain significance. Review status: criteria provided, multiple submitters, no conflicts (2 of 4 stars). 2 submissions from 2 submitters: Uncertain significance (2). Last evaluated 2024-08-08.

Conditions:
Cardiomyopathy (CMYO). Also called: Cardiomyopathies. Identifiers: Orphanet 167848, MedGen C0878544, MONDO:0004994, HP:0001638. Inheritance: Various modes of inheritance.
Arrhythmogenic right ventricular dysplasia 8 (ARVD8). Also called: Arrhythmogenic Right Ventricular Dysplasia/Cardiomyopathy 8; ARRHYTHMOGENIC RIGHT VENTRICULAR DYSPLASIA, FAMILIAL, 8; ARRHYTHMOGENIC RIGHT VENTRICULAR CARDIOMYOPATHY 8. Identifiers: MedGen C1843896, MONDO:0011831, OMIM 607450.
Arrhythmogenic cardiomyopathy with wooly hair and keratoderma. Also called: PALMOPLANTAR KERATODERMA WITH LEFT VENTRICULAR CARDIOMYOPATHY AND WOOLLY HAIR; Carvajal syndrome; Dilated cardiomyopathy with woolly hair and keratoderma; Arrhythmogenic cardiomyopathy with woolly hair and keratoderma. Identifiers: Orphanet 65282, MedGen C1854063, MONDO:0011581, OMIM 605676.

Submissions (2):

Labcorp Genetics (formerly Invitae), Labcorp
Classification: Uncertain significance for Arrhythmogenic cardiomyopathy with wooly hair and keratoderma; Arrhythmogenic right ventricular dysplasia 8. Last evaluated: 2024-08-08. Review status: criteria provided, single submitter. Criteria: Invitae Variant Classification Sherloc (09022015). Collection method: clinical testing. Allele origin: germline.
Comment: This sequence change affects codon 348 of the DSP mRNA. It is a 'silent' change, meaning that it does not change the encoded amino acid sequence of the DSP protein. This variant also falls at the last nucleotide of exon 8, which is part of the consensus splice site for this exon. This variant is not present in population databases (gnomAD no frequency). This variant has not been reported in the literature in individuals affected with DSP-related conditions. ClinVar contains an entry for this variant (Variation ID: 925099). Variants that disrupt the consensus splice site are a relatively common cause of aberrant splicing (PMID: 17576681, 9536098). Algorithms developed to predict the effect of sequence changes on RNA splicing suggest that this variant may disrupt the consensus splice site. In summary, the available evidence is currently insufficient to determine the role of this variant in disease. Therefore, it has been classified as a Variant of Uncertain Significance.

Color Diagnostics, LLC DBA Color Health
Classification: Uncertain significance for Cardiomyopathy. Last evaluated: 2019-11-24. Review status: criteria provided, single submitter. Criteria: ACMG Guidelines, 2015. Collection method: clinical testing. Allele origin: germline.
Comment: This variant is located in the DSP protein. Splice site prediction tools suggest that this variant may impact RNA splicing. To our knowledge, functional studies have not been performed for this variant. This variant has not been reported in individuals affected with cardiovascular disorders in the literature. This variant has not been identified in the general population by the Genome Aggregation Database (gnomAD). The available evidence is insufficient to determine the role of this variant in disease conclusively. Therefore, this variant is classified as a Variant of Uncertain Significance.

Literature cited by the submitters: PubMed 17576681 (cited by Labcorp Genetics (formerly Invitae), Labcorp); PubMed 9536098 (cited by Labcorp Genetics (formerly Invitae), Labcorp).